The following is an entry in ClinVar:

ClinVar aggregate classification (germline): Likely benign (1 of 4 stars; one submission).

Conditions:
Tuberous sclerosis 2 (TSC2). Identifiers: Orphanet 805, MedGen C1860707, MONDO:0013199, OMIM 613254.

Submission:

Myriad Genetics, Inc.
Classification: Likely benign for Tuberous sclerosis 2. Last evaluated: 2025-06-16. Review status: criteria provided, single submitter. Criteria: Myriad Autosomal Dominant, Autosomal Recessive and X-Linked Classification Criteria (2023). Collection method: clinical testing. Allele origin: unknown.
Comment: This variant is considered likely benign. Homozygosity has been confirmed in one or more individuals. As homozygosity for pathogenic variants in this gene is generally assumed to result in embryonic lethality, this variant is unlikely to be pathogenic.

NM_000548.5(TSC2):c.2085G>C (p.Gln695His)

Gene: TSC2 (TSC complex subunit 2; plus strand). Cytogenetic location: 16p13.3.
Variant type: single nucleotide variant.
Coding change: c.2085G>C on transcript NM_000548.5 (MANE Select); coding-DNA position 2085, G replaced by C.
Protein change: p.Gln695His; replaces glutamine 695 with histidine.
Molecular consequence: missense variant. On other transcripts: non-coding transcript variant (5).
Genome position (GRCh38, 1-based): chr16:2,071,922, G>C. VCF-style: chr16-2071922-G-C. GRCh37 (hg19) VCF-style: chr16-2121923-G-C.
Other names: c.741G>C, p.Gln247His (NM_001406694.1, NM_001406695.1, NM_001406696.1 and 6 more transcripts); c.483G>C, p.Gln161His (NM_001406698.1); c.2085G>C, p.Gln695His (NM_021055.3, NM_001077183.3, NM_001114382.3 and 6 more transcripts); c.1974G>C, p.Gln658His (NM_001318827.2, NM_001406678.1, NM_001406670.1); c.1938G>C, p.Gln646His (NM_001318829.2, NM_001406675.1, NM_001406676.1 and 1 more transcripts); c.1485G>C, p.Gln495His (NM_001318831.2, NM_001406680.1, NM_001406682.1 and 6 more transcripts); c.2118G>C, p.Gln706His (NM_001318832.2); c.2028G>C, p.Gln676His (NM_001406677.1); and 3 more; short protein forms Q161H, Q247H, Q495H, Q541H, Q646H, Q658H, Q676H, Q691H.
Identifiers: ClinVar variation 4071445 (VCV004071445.1).